The following is an entry in ClinVar:

ClinVar aggregate classification (germline): Benign/Likely benign. Review status: criteria provided, multiple submitters, no conflicts (2 of 4 stars). 5 submissions from 5 submitters: Benign (2); Likely benign (1). 2 of the submissions do not count toward it. Last evaluated 2025-09-01.

Conditions:
Familial acute necrotizing encephalopathy (IIAE3). Also called: Susceptibility to Acute Necrotizing Encephalopathy 1; ENCEPHALOPATHY, ACUTE, INFECTION-INDUCED, SUSCEPTIBILITY TO, 3. Identifiers: Orphanet 88619, MedGen C2675556, MONDO:0011953, OMIM 608033.

Allele frequency attached by ClinVar (database versions not stated): 1000 Genomes Project 0.00080; ESP Exome Variant Server 0.00085; TOPMed 0.00103; 1000 Genomes Project 30x 0.00125; gnomAD exomes 0.00146 and 0.00211; gnomAD 0.00195 and 0.00204; ExAC 0.00199.
gnomAD v4.1: 2,415 of 1,614,060 alleles (0.15%); highest among the groups gnomAD compares: Admixed American, 0.14%; 7 homozygotes.

Submissions (10):

CeGaT Center for Human Genetics Tuebingen
Classification: Benign. Last evaluated: 2025-09-01. Review status: criteria provided, single submitter. Criteria: CeGaT Center For Human Genetics Tuebingen Variant Classification Criteria Version 2. Collection method: clinical testing. Allele origin: germline. Affected: yes. Observed: 7 variant alleles.
Comment: RANBP2: BP4, BS1, BS2

Labcorp Genetics (formerly Invitae), Labcorp
Classification: Benign for Familial acute necrotizing encephalopathy. Last evaluated: 2025-02-24. Review status: criteria provided, single submitter. Criteria: Invitae Variant Classification Sherloc (09022015). Collection method: clinical testing. Allele origin: germline.

Blueprint Genetics
Classification: Likely benign. Last evaluated: 2024-11-25. Review status: criteria provided, single submitter. Criteria: ACMG Guidelines, 2015. Collection method: clinical testing. Allele origin: germline.

Clinical Genetics DNA and cytogenetics Diagnostics Lab, Erasmus MC, Erasmus Medical Center
Classification: Likely benign. Review status: no assertion criteria provided. Collection method: clinical testing. Allele origin: germline. Affected: yes. Study: VKGL Data-share Consensus. Not counted in ClinVar's aggregate classification.

Dr. Peter K. Rogan Lab, Western University
No classification provided (evidence only). Condition: Clear cell carcinoma of kidney. Review status: no classification provided. Collection method: in vitro. Allele origin: not applicable. Functional consequence: retained intron. Not counted in ClinVar's aggregate classification.

Dr. Peter K. Rogan Lab, Western University
No classification provided (evidence only). Condition: Colorectal cancer. Review status: no classification provided. Collection method: in vitro. Allele origin: not applicable. Functional consequence: retained intron. Not counted in ClinVar's aggregate classification.

Dr. Peter K. Rogan Lab, Western University
No classification provided (evidence only). Condition: Sarcoma. Review status: no classification provided. Collection method: in vitro. Allele origin: not applicable. Functional consequence: retained intron. Not counted in ClinVar's aggregate classification.

Dr. Peter K. Rogan Lab, Western University
No classification provided (evidence only). Condition: Hepatocellular carcinoma. Review status: no classification provided. Collection method: in vitro. Allele origin: not applicable. Functional consequence: retained intron. Not counted in ClinVar's aggregate classification.

Dr. Peter K. Rogan Lab, Western University
No classification provided (evidence only). Condition: Gastric cancer. Review status: no classification provided. Collection method: in vitro. Allele origin: not applicable. Functional consequence: retained intron. Not counted in ClinVar's aggregate classification.

Genome Diagnostics Laboratory, University Medical Center Utrecht
Classification: Likely benign. Review status: no assertion criteria provided. Collection method: clinical testing. Allele origin: germline. Affected: yes. Study: VKGL Data-share Consensus. Not counted in ClinVar's aggregate classification.

NM_006267.5(RANBP2):c.4760G>T (p.Gly1587Val)

Gene: RANBP2 (RAN binding protein 2; plus strand). Cytogenetic location: 2q13.
Variant type: single nucleotide variant.
Coding change: c.4760G>T on transcript NM_006267.5 (MANE Select); coding-DNA position 4760, G replaced by T.
Protein change: p.Gly1587Val; replaces glycine 1587 with valine.
Molecular consequence: missense variant.
Genome position (GRCh38, 1-based): chr2:108,765,299, G>T. VCF-style: chr2-108765299-G-T. GRCh37 (hg19) VCF-style: chr2-109381755-G-T.
Other names: short protein forms G1587V.
Identifiers: ClinVar variation 469463 (VCV000469463.39), dbSNP rs148677577, ClinGen allele CA1823171.
Genomic context (GRCh38, chr2:108,765,299, plus strand): 5'-AGAATCCGGATAAACCAAGTCCATCTACTTCTGTTCCAGCTCCTGCCTCTTTTAAGTTTG[G>T]TACTTCAGAGACAAGCAAGGCTCCAAAGAGCGGATTTGAGGGAATGTTCACTAAGAAGGA-3'
Protein context (NP_006258.3, residues 1577-1597): SVPAPASFKF[Gly1587Val]TSETSKAPKS